The following is an entry in ClinVar:

ClinVar aggregate classification (germline): Uncertain significance. Review status: criteria provided, multiple submitters, no conflicts (2 of 4 stars). 2 submissions from 2 submitters: Uncertain significance (2). Last evaluated 2024-11-25.

Conditions:
Exostoses, multiple, type 2 (EXT2). Also called: EXOSTOSES, MULTIPLE, TYPE II; Hereditary Multiple Osteochondromatosis, Type II. Identifiers: Orphanet 321, MedGen C1851413, MONDO:0007586, OMIM 133701.

Allele frequency attached by ClinVar (database versions not stated): TOPMed below 0.00001; gnomAD 0.00001.
gnomAD v4.1: 7 of 1,613,958 alleles (0.00043%); highest among the groups gnomAD compares: Non-Finnish European, 0.00059%; no homozygotes.

Submissions (2):

Labcorp Genetics (formerly Invitae), Labcorp
Classification: Uncertain significance for Exostoses, multiple, type 2. Last evaluated: 2024-11-25. Review status: criteria provided, single submitter. Criteria: Invitae Variant Classification Sherloc (09022015). Collection method: clinical testing. Allele origin: germline.
Comment: This sequence change replaces valine, which is neutral and non-polar, with glutamic acid, which is acidic and polar, at codon 479 of the EXT2 protein (p.Val479Glu). This variant is not present in population databases (gnomAD no frequency). This variant has not been reported in the literature in individuals affected with EXT2-related conditions. ClinVar contains an entry for this variant (Variation ID: 2913422). Invitae Evidence Modeling of protein sequence and biophysical properties (such as structural, functional, and spatial information, amino acid conservation, physicochemical variation, residue mobility, and thermodynamic stability) has been performed for this missense variant. However, the output from this modeling did not meet the statistical confidence thresholds required to predict the impact of this variant on EXT2 protein function. In summary, the available evidence is currently insufficient to determine the role of this variant in disease. Therefore, it has been classified as a Variant of Uncertain Significance.

Blueprint Genetics
Classification: Uncertain significance. Last evaluated: 2024-02-05. Review status: criteria provided, single submitter. Criteria: ACMG Guidelines, 2015. Collection method: clinical testing. Allele origin: germline.

NM_207122.2(EXT2):c.1436T>A (p.Val479Glu)

Genes: EXT2 (exostosin glycosyltransferase 2; plus strand), LOC126861201 (MED14-independent group 3 enhancer GRCh37_chr11:44218806-44220005; plus strand). Cytogenetic location: 11p11.2.
Variant type: single nucleotide variant.
Coding change: c.1436T>A on transcript NM_207122.2 (MANE Select); coding-DNA position 1436, T replaced by A.
Protein change: p.Val479Glu; replaces valine 479 with glutamic acid.
Molecular consequence: missense variant.
Genome position (GRCh38, 1-based): chr11:44,197,959, T>A. VCF-style: chr11-44197959-T-A. GRCh37 (hg19) VCF-style: chr11-44219509-T-A.
Other names: c.1535T>A, p.Val512Glu (NM_000401.3); c.1466T>A, p.Val489Glu (NM_001178083.3); c.1436T>A, p.Val479Glu (NM_001389628.1, NM_001389630.1); short protein forms V512E, V489E, V479E.
Identifiers: ClinVar variation 2913422 (VCV002913422.4), dbSNP rs1477010752, ClinGen allele CA380179188.